The following is an entry in ClinVar:

ClinVar aggregate classification (germline): Conflicting classifications of pathogenicity. Review status: criteria provided, conflicting classifications (1 of 4 stars). 4 submissions from 4 submitters: Uncertain significance (1); Benign (1); Likely benign (2). Last evaluated 2025-06-09.

Conditions:
Hereditary cancer-predisposing syndrome. Also called: Hereditary Cancer Syndrome; Hereditary neoplastic syndrome; Neoplastic Syndromes, Hereditary; Tumor predisposition. Identifiers: Orphanet 140162, MedGen C0027672, MeSH D009386, MONDO:0015356.
Tuberous sclerosis 2 (TSC2). Identifiers: Orphanet 805, MedGen C1860707, MONDO:0013199, OMIM 613254.

Allele frequency attached by ClinVar (database versions not stated): gnomAD exomes below 0.00001; TOPMed below 0.00001; gnomAD 0.00001.
gnomAD v4.1: 4 of 1,613,554 alleles (0.00025%); highest among the groups gnomAD compares: East Asian, 0.0022%; no homozygotes.

Submissions (4):

Quest Diagnostics Nichols Institute San Juan Capistrano
Classification: Uncertain significance. Last evaluated: 2025-06-09. Review status: criteria provided, single submitter. Criteria: Quest Diagnostics criteria. Collection method: clinical testing. Allele origin: unknown.

Myriad Genetics, Inc.
Classification: Benign for Tuberous sclerosis 2. Last evaluated: 2025-05-16. Review status: criteria provided, single submitter. Criteria: Myriad Autosomal Dominant, Autosomal Recessive and X-Linked Classification Criteria (2023). Collection method: clinical testing. Allele origin: unknown.
Comment: This variant is considered benign. This variant is a silent/synonymous amino acid change and it is not expected to impact splicing.

Labcorp Genetics (formerly Invitae), Labcorp
Classification: Likely benign for Tuberous sclerosis 2. Last evaluated: 2024-04-16. Review status: criteria provided, single submitter. Criteria: Invitae Variant Classification Sherloc (09022015). Collection method: clinical testing. Allele origin: germline.

Ambry Genetics
Classification: Likely benign for Hereditary cancer-predisposing syndrome. Last evaluated: 2020-11-12. Review status: criteria provided, single submitter. Criteria: Ambry Variant Classification Scheme 2023. Collection method: clinical testing. Allele origin: germline.

NM_000548.5(TSC2):c.1851C>T (p.Phe617=)

Gene: TSC2 (TSC complex subunit 2; plus strand). Cytogenetic location: 16p13.3.
Variant type: single nucleotide variant.
Coding change: c.1851C>T on transcript NM_000548.5 (MANE Select); coding-DNA position 1851, C replaced by T.
Protein change: p.Phe617=; no amino-acid change (phenylalanine 617 retained).
Molecular consequence: synonymous variant.
Genome position (GRCh38, 1-based): chr16:2,071,521, C>T. VCF-style: chr16-2071521-C-T. GRCh37 (hg19) VCF-style: chr16-2121522-C-T.
Other names: c.1851C>T, p.Phe617= (NM_001077183.3, NM_001114382.3, NM_001363528.2 and 3 more transcripts); c.1740C>T, p.Phe580= (NM_001318827.2); c.1704C>T, p.Phe568= (NM_001318829.2); c.1251C>T, p.Phe417= (NM_001318831.2); c.1884C>T, p.Phe628= (NM_001318832.2).
Identifiers: ClinVar variation 1153616 (VCV001153616.13), dbSNP rs1446662814, ClinGen allele CA492950258.
Genomic context (GRCh38, chr16:2,071,521, plus strand): 5'-TGGGCCTGCACGAGCTTGGCTCTGGCTTTCACCATCCTCTTCCTGACAGGCCTTTGACTT[C>T]CTGTTGCTGCTGCGGGCCGACTCACTGCACCGCCTGGGCCTGCCCAACAAGGATGGAGTC-3'
Protein context (NP_000539.2, residues 607-627): ASSIRLQAFD[Phe617=]LLLLRADSLH